The following is an entry in ClinVar:

NM_002382.5(MAX):c.71A>G (p.Lys24Arg)

Genes: MAX (MYC associated transcriptional regulator X; minus strand), MAX-AS1 (MAX antisense RNA 1; plus strand). Cytogenetic location: 14q23.3.
Variant type: single nucleotide variant.
Coding change: c.71A>G on transcript NM_002382.5 (MANE Select); coding-DNA position 71, A replaced by G.
Protein change: p.Lys24Arg; replaces lysine 24 with arginine.
Molecular consequence: missense variant. On other transcripts: non-coding transcript variant (1), 5 prime UTR variant (1).
Genome position (GRCh38, 1-based): chr14:65,093,808, T>C on the plus strand (A>G on the coding strand, the complement: MAX is on the minus strand). VCF-style: chr14-65093808-T-C. GRCh37 (hg19) VCF-style: chr14-65560526-T-C.
Other names: c.-204A>G (NM_001407106.1, NM_001407107.1, NM_001320415.2 and 1 more transcripts); c.44A>G, p.Lys15Arg (NM_001407108.1, NM_001407109.1, NM_001407110.1 and 9 more transcripts); c.-297A>G (NM_001407111.1, NM_001407112.1); c.94A>G, p.Asn32Asp (NM_001407114.1); c.71A>G, p.Lys24Arg (NM_001407094.1, NM_001407096.1, NM_001407097.1 and 5 more transcripts); short protein forms K15R, K24R, N32D.
Identifiers: ClinVar variation 852908 (VCV000852908.12), dbSNP rs1174960252, ClinGen allele CA390037821.
Genomic context (GRCh38, chr14:65,093,808, plus strand): 5'-TGAAAGCTGTCTTTGATGTGGTCCCTACGTTTTCGTTCCAGTGCATTATGATGAGCCCGT[T>C]TGTCAGCCTAGAAGAATGGGAGAAAGAACACATTAGGAATGTCACTCCTTTTGCTTGGTA-3'
Protein context (NP_002373.3, residues 14-34): EQPRFQSAAD[Lys24Arg]RAHHNALERK

ClinVar aggregate classification (germline): Uncertain significance. Review status: criteria provided, multiple submitters, no conflicts (2 of 4 stars). 3 submissions from 3 submitters: Uncertain significance (3). Last evaluated 2025-10-14.

Conditions:
Hereditary pheochromocytoma and paraganglioma. Also called: Hereditary pheochromocytoma-paraganglioma; Hereditary paragangliomas and pheochromocytomas; Hereditary Paraganglioma-Pheochromocytoma Syndromes. Identifiers: Orphanet 29072, MedGen C4274332, MONDO:0017366.
Hereditary cancer-predisposing syndrome. Also called: Hereditary Cancer Syndrome; Tumor predisposition; Neoplastic Syndromes, Hereditary; Hereditary neoplastic syndrome. Identifiers: Orphanet 140162, MedGen C0027672, MeSH D009386, MONDO:0015356.

Allele frequency attached by ClinVar (database versions not stated): gnomAD exomes below 0.00001; TOPMed 0.00001.

Submissions (3):

Labcorp Genetics (formerly Invitae), Labcorp
Classification: Uncertain significance for Hereditary pheochromocytoma and paraganglioma. Last evaluated: 2025-10-14. Review status: criteria provided, single submitter. Criteria: Invitae Variant Classification Sherloc (09022015). Collection method: clinical testing. Allele origin: germline.
Comment: This sequence change replaces lysine, which is basic and polar, with arginine, which is basic and polar, at codon 24 of the MAX protein (p.Lys24Arg). This variant is not present in population databases (gnomAD no frequency). This variant has not been reported in the literature in individuals affected with MAX-related conditions. ClinVar contains an entry for this variant (Variation ID: 852908). An algorithm developed to predict the effect of missense changes on protein structure and function (PolyPhen-2) suggests that this variant is likely to be disruptive. In summary, the available evidence is currently insufficient to determine the role of this variant in disease. Therefore, it has been classified as a Variant of Uncertain Significance.

Ambry Genetics
Classification: Uncertain significance for Hereditary cancer-predisposing syndrome. Last evaluated: 2025-03-24. Review status: criteria provided, single submitter. Criteria: Ambry Variant Classification Scheme 2023. Collection method: clinical testing. Allele origin: germline.
Comment: The p.K24R variant (also known as c.71A>G), located in coding exon 3 of the MAX gene, results from an A to G substitution at nucleotide position 71. The lysine at codon 24 is replaced by arginine, an amino acid with highly similar properties. This amino acid position is highly conserved in available vertebrate species. In addition, the in silico prediction for this alteration is inconclusive. Based on the available evidence, the clinical significance of this variant remains unclear.

Quest Diagnostics Nichols Institute San Juan Capistrano
Classification: Uncertain significance. Last evaluated: 2022-09-15. Review status: criteria provided, single submitter. Criteria: Quest Diagnostics criteria. Collection method: clinical testing. Allele origin: unknown.
Comment: The variant has not been reported in the published literature. It also has not been reported in large, multi-ethnic general populations. Analysis of this variant using bioinformatics tools for the prediction of the effect of amino acid changes on protein structure and function yielded predictions that this variant is benign. Based on the available information, we are unable to determine the clinical significance of this variant.